The following is an entry in ClinVar:

NM_015404.4(WHRN):c.2340G>T (p.Arg780Ser)

Gene: WHRN (whirlin; minus strand). Cytogenetic location: 9q32.
Variant type: single nucleotide variant.
Coding change: c.2340G>T on transcript NM_015404.4 (MANE Select); coding-DNA position 2340, G replaced by T.
Protein change: p.Arg780Ser; replaces arginine 780 with serine.
Molecular consequence: missense variant.
Genome position (GRCh38, 1-based): chr9:114,403,974, C>A on the plus strand (G>T on the coding strand, the complement: WHRN is on the minus strand). VCF-style: chr9-114403974-C-A. GRCh37 (hg19) VCF-style: chr9-117166254-C-A.
Other names: c.1191G>T, p.Arg397Ser (NM_001083885.3); c.2337G>T, p.Arg779Ser (NM_001173425.2); c.1287G>T, p.Arg429Ser (NM_001346890.1); short protein forms R429S, R397S, R779S, R780S.
Identifiers: ClinVar variation 943174 (VCV000943174.9), dbSNP rs935520648, ClinGen allele CA198649136.

ClinVar aggregate classification (germline): Uncertain significance (1 of 4 stars; one submission).

Allele frequency attached by ClinVar (database versions not stated): gnomAD 0.00001; TOPMed 0.00002.
gnomAD v4.1: 2 of 1,609,218 alleles (0.00012%); highest among the groups gnomAD compares: African/African-American, 0.0027%; no homozygotes.

Submission:

Labcorp Genetics (formerly Invitae), Labcorp
Classification: Uncertain significance. Last evaluated: 2022-09-01. Review status: criteria provided, single submitter. Criteria: Invitae Variant Classification Sherloc (09022015). Collection method: clinical testing. Allele origin: germline.
Comment: In summary, the available evidence is currently insufficient to determine the role of this variant in disease. Therefore, it has been classified as a Variant of Uncertain Significance. Algorithms developed to predict the effect of sequence changes on RNA splicing suggest that this variant may create or strengthen a splice site. Algorithms developed to predict the effect of missense changes on protein structure and function are either unavailable or do not agree on the potential impact of this missense change (SIFT: "Deleterious"; PolyPhen-2: "Benign"; Align-GVGD: "Class C0"). ClinVar contains an entry for this variant (Variation ID: 943174). This variant has not been reported in the literature in individuals affected with WHRN-related conditions. The frequency data for this variant in the population databases is considered unreliable, as metrics indicate poor data quality at this position in the gnomAD database. This sequence change replaces arginine, which is basic and polar, with serine, which is neutral and polar, at codon 780 of the WHRN protein (p.Arg780Ser).